The following is an entry in ClinVar:

ClinVar aggregate classification (germline): Pathogenic/Likely pathogenic. Review status: criteria provided, multiple submitters, no conflicts (2 of 4 stars). 2 submissions from 2 submitters: Pathogenic (1); Likely pathogenic (1). Last evaluated 2024-06-05.

Conditions:
Melnick-Needles syndrome (MNS). Also called: Melnick-Needles Syndrome (FLNA-MNS); MELNICK-NEEDLES OSTEODYSPLASTY; OSTEODYSPLASTY OF MELNICK AND NEEDLES. Identifiers: Orphanet 2484, MedGen C0025237, MONDO:0010650, OMIM 309350.
Oto-palato-digital syndrome, type II (OPD2). Also called: Otopalatodigital Syndrome Type 2 (FLNA-OPD2); FACIOPALATOOSSEOUS SYNDROME; OPD II SYNDROME; Otopalatodigital Syndrome, Type II. Identifiers: Orphanet 669, Orphanet 90652, MedGen C1844696, MONDO:0010571, OMIM 304120.
Heterotopia, periventricular, X-linked dominant (PVNH1). Also called: PERIVENTRICULAR NODULAR HETEROTOPIA 1; X-linked periventricular heterotopia; PERIVENTRICULAR NODULAR HETEROTOPIA 4; HETEROTOPIA, PERIVENTRICULAR, 1. Identifiers: Orphanet 2149, Orphanet 82004, MedGen C1848213, MONDO:0010233, OMIM 300049.
Frontometaphyseal dysplasia (FMD1). Identifiers: Orphanet 1826, MedGen C0265293, MONDO:0015942.

Submissions (2):

Labcorp Genetics (formerly Invitae), Labcorp
Classification: Pathogenic for Oto-palato-digital syndrome, type II; Heterotopia, periventricular, X-linked dominant; Frontometaphyseal dysplasia; Melnick-Needles syndrome. Last evaluated: 2024-06-05. Review status: criteria provided, single submitter. Criteria: Invitae Variant Classification Sherloc (09022015). Collection method: clinical testing. Allele origin: germline.
Comment: This sequence change creates a premature translational stop signal (p.Gln1741*) in the FLNA gene. It is expected to result in an absent or disrupted protein product. Loss-of-function variants in FLNA are known to be pathogenic (PMID: 16684786, 20730588, 26471271). This variant is not present in population databases (gnomAD no frequency). This premature translational stop signal has been observed in individual(s) with thoracic aortic aneurysm and dissection (PMID: 30739908). This variant is also known as c.5245C>T (p.Gln1749*). For these reasons, this variant has been classified as Pathogenic.

Mayo Clinic Laboratories, Mayo Clinic
Classification: Likely pathogenic. Last evaluated: 2024-04-18. Review status: criteria provided, single submitter. Criteria: ACMG Guidelines, 2015. Collection method: clinical testing. Allele origin: germline. Observed: 1 variant allele.
Comment: PM2_moderate, PVS1

Literature cited by the submitters: PubMed 16684786 (cited by Labcorp Genetics (formerly Invitae), Labcorp); PubMed 20730588 (cited by Labcorp Genetics (formerly Invitae), Labcorp); PubMed 26471271 (cited by Labcorp Genetics (formerly Invitae), Labcorp); PubMed 30739908 (cited by Labcorp Genetics (formerly Invitae), Labcorp and Mayo Clinic Laboratories, Mayo Clinic).

NM_001110556.2(FLNA):c.5245C>T (p.Gln1749Ter)

Gene: FLNA (filamin A; minus strand). Cytogenetic location: Xq28.
Variant type: single nucleotide variant.
Coding change: c.5245C>T on transcript NM_001110556.2 (MANE Select); coding-DNA position 5245, C replaced by T.
Protein change: p.Gln1749Ter; replaces glutamine 1749 with a stop codon.
Molecular consequence: nonsense.
Genome position (GRCh38, 1-based): chrX:154,354,684, G>A on the plus strand (C>T on the coding strand, the complement: FLNA is on the minus strand). VCF-style: chrX-154354684-G-A. GRCh37 (hg19) VCF-style: chrX-153583052-G-A.
Other names: p.Gln1741*; c.5221C>T, p.Gln1741Ter (NM_001456.4); short protein forms Q1741*, Q1749*.
Identifiers: ClinVar variation 3380937 (VCV003380937.3).